The following is an entry in ClinVar:

NM_001308093.3(GATA4):c.623T>C (p.Met208Thr)

Gene: GATA4 (GATA binding protein 4). Cytogenetic location: 8p23.1.
Variant type: single nucleotide variant.
Coding change: c.623T>C on transcript NM_001308093.3 (MANE Select); coding-DNA position 623, T replaced by C.
Protein change: p.Met208Thr; replaces methionine 208 with threonine.
Molecular consequence: missense variant. On other transcripts: initiator codon variant (3).
Genome position (GRCh38, 1-based): chr8:11,748,922, T>C. VCF-style: chr8-11748922-T-C. GRCh37 (hg19) VCF-style: chr8-11606431-T-C.
Other names: c.2T>C, p.Met1Thr (NM_001308094.2, NM_001374273.1, NM_001374274.1); c.620T>C, p.Met207Thr (NM_002052.5); short protein forms M1T, M207T, M208T.
Identifiers: ClinVar variation 1372032 (VCV001372032.13), dbSNP rs140892695, ClinGen allele CA4630656.
Genomic context (GRCh38, chr8:11,748,922, plus strand): 5'-ATAAACAAAGAATTAATCCTCTGTGTCTTTTCTTGTCTGTTCCCCCCAACTCAGTAGATA[T>C]GTTTGACGACTTCTCAGAAGGCAGAGAGTGTGTCAACTGTGGGGCTATGTCCACCCCGCT-3'
Protein context (NP_001295022.1, residues 198-218): PAARHPNLVD[Met208Thr]FDDFSEGREC

ClinVar aggregate classification (germline): Uncertain significance. Review status: criteria provided, multiple submitters, no conflicts (2 of 4 stars). 4 submissions from 4 submitters: Uncertain significance (4). Last evaluated 2026-01-19.

Conditions:
Atrioventricular septal defect 4 (AVSD4). Identifiers: MedGen C3280781, MONDO:0013747, OMIM 614430.
Atrial septal defect 2 (ASD2). Identifiers: Orphanet 1478, MedGen C1842778, MONDO:0011938, OMIM 607941.
Tetralogy of Fallot (TOF). Identifiers: Orphanet 3303, MedGen C0039685, MONDO:0008542, OMIM 187500, HP:0001636.
Testicular anomalies with or without congenital heart disease (TACHD). Identifiers: Orphanet 251510, MedGen C3809858, MONDO:0014239, OMIM 615542.
Ventricular septal defect 1 (VSD1). Identifiers: MedGen C3280777, MONDO:0013746, OMIM 614429.
Cardiovascular phenotype. Identifiers: MedGen CN230736.

Allele frequency attached by ClinVar (database versions not stated): gnomAD exomes 0.00002; ExAC 0.00003; TOPMed 0.00004; gnomAD 0.00007 and 0.00008; ESP Exome Variant Server 0.00008.
gnomAD v4.1: 21 of 1,614,126 alleles (0.0013%); highest among the groups gnomAD compares: African/African-American, 0.013%; no homozygotes.

Submissions (4):

Labcorp Genetics (formerly Invitae), Labcorp
Classification: Uncertain significance for Atrioventricular septal defect 4. Last evaluated: 2026-01-19. Review status: criteria provided, single submitter. Criteria: Invitae Variant Classification Sherloc (09022015). Collection method: clinical testing. Allele origin: germline.
Comment: This sequence change replaces methionine, which is neutral and non-polar, with threonine, which is neutral and polar, at codon 207 of the GATA4 protein (p.Met207Thr). This variant is present in population databases (rs140892695, gnomAD 0.02%). This variant has not been reported in the literature in individuals affected with GATA4-related conditions. ClinVar contains an entry for this variant (Variation ID: 1372032). Invitae Evidence Modeling of protein sequence and biophysical properties (such as structural, functional, and spatial information, amino acid conservation, physicochemical variation, residue mobility, and thermodynamic stability) indicates that this missense variant is not expected to disrupt GATA4 protein function with a negative predictive value of 95%. In summary, the available evidence is currently insufficient to determine the role of this variant in disease. Therefore, it has been classified as a Variant of Uncertain Significance.

Ambry Genetics
Classification: Uncertain significance for Cardiovascular phenotype. Last evaluated: 2025-10-26. Review status: criteria provided, single submitter. Criteria: Ambry Variant Classification Scheme 2023. Collection method: clinical testing. Allele origin: germline.
Comment: The p.M207T variant (also known as c.620T>C), located in coding exon 2 of the GATA4 gene, results from a T to C substitution at nucleotide position 620. The methionine at codon 207 is replaced by threonine, an amino acid with similar properties. This amino acid position is not well conserved in available vertebrate species. In addition, the in silico prediction for this alteration is inconclusive. Since supporting evidence is limited at this time, the clinical significance of this alteration remains unclear.

GeneDx
Classification: Uncertain significance. Last evaluated: 2023-12-21. Review status: criteria provided, single submitter. Criteria: GeneDx Variant Classification Process June 2021. Collection method: clinical testing. Allele origin: germline. Affected: yes.
Comment: Has not been previously published as pathogenic or benign to our knowledge; Not observed at significant frequency in large population cohorts (gnomAD); In silico analysis supports that this missense variant has a deleterious effect on protein structure/function

Fulgent Genetics
Classification: Uncertain significance for Tetralogy of Fallot; Atrial septal defect 2; Ventricular septal defect 1; Atrioventricular septal defect 4; Testicular anomalies with or without congenital heart disease. Last evaluated: 2021-08-02. Review status: criteria provided, single submitter. Criteria: ACMG Guidelines, 2015. Collection method: clinical testing. Allele origin: unknown.